The following is an entry in ClinVar:

NM_001378452.1(ITPR1):c.7574C>A (p.Ala2525Glu)

Genes: ITPR1 (inositol 1,4,5-trisphosphate receptor type 1; plus strand), LOC126806590 (MED14-independent group 3 enhancer GRCh37_chr3:4855759-4856958; plus strand). Cytogenetic location: 3p26.1.
Variant type: single nucleotide variant.
Coding change: c.7574C>A on transcript NM_001378452.1 (MANE Select); coding-DNA position 7574, C replaced by A.
Protein change: p.Ala2525Glu; replaces alanine 2525 with glutamic acid.
Molecular consequence: missense variant.
Genome position (GRCh38, 1-based): chr3:4,814,435, C>A. VCF-style: chr3-4814435-C-A. GRCh37 (hg19) VCF-style: chr3-4856119-C-A.
Other names: c.7430C>A, p.Ala2477Glu (NM_001099952.4); c.7529C>A, p.Ala2510Glu (NM_001168272.2); c.7385C>A, p.Ala2462Glu (NM_002222.7); short protein forms A2477E, A2510E, A2462E, A2525E.
Identifiers: ClinVar variation 5001403 (VCV005001403.1).

ClinVar aggregate classification (germline): Uncertain significance (1 of 4 stars; one submission).

Conditions:
ITPR1-related disorder. Also called: ITPR1-related condition.

gnomAD v4.1: 1 of 1,613,966 alleles (0.000062%); highest among the groups gnomAD compares: South Asian, 0.0011%; no homozygotes.

Submission:

PreventionGenetics, part of Exact Sciences
Classification: Uncertain significance for ITPR1-related condition. Last evaluated: 2024-11-21. Review status: criteria provided, single submitter. Criteria: ACMG Guidelines, 2015. Collection method: clinical testing. Allele origin: germline.
Comment: The ITPR1 c.7385C>A variant is predicted to result in the amino acid substitution p.Ala2462Glu. To our knowledge, this variant has not been reported in the literature or in a large population database (gnomAD), indicating this variant is rare. At this time, the clinical significance of this variant is uncertain due to the absence of conclusive functional and genetic evidence.